The following is an entry in ClinVar:

ClinVar aggregate classification (germline): Uncertain significance (1 of 4 stars; one submission).

Conditions:
Hereditary cancer-predisposing syndrome. Also called: Neoplastic Syndromes, Hereditary; Tumor predisposition; Hereditary Cancer Syndrome; Hereditary neoplastic syndrome. Identifiers: Orphanet 140162, MedGen C0027672, MeSH D009386, MONDO:0015356.

Submission:

Ambry Genetics
Classification: Uncertain significance for Hereditary cancer-predisposing syndrome. Last evaluated: 2024-10-01. Review status: criteria provided, single submitter. Criteria: Ambry Variant Classification Scheme 2023. Collection method: clinical testing. Allele origin: germline.
Comment: The p.T626I variant (also known as c.1877C>T), located in coding exon 14 of the SDHA gene, results from a C to T substitution at nucleotide position 1877. The threonine at codon 626 is replaced by isoleucine, an amino acid with similar properties. This amino acid position is conserved. In addition, this alteration is predicted to be tolerated by in silico analysis. Since supporting evidence is limited at this time, the clinical significance of this alteration remains unclear.

NM_004168.4(SDHA):c.1877C>T (p.Thr626Ile)

Gene: SDHA (succinate dehydrogenase complex flavoprotein subunit A; plus strand). Cytogenetic location: 5p15.33.
Variant type: single nucleotide variant.
Coding change: c.1877C>T on transcript NM_004168.4 (MANE Select); coding-DNA position 1877, C replaced by T.
Protein change: p.Thr626Ile; replaces threonine 626 with isoleucine.
Molecular consequence: missense variant.
Genome position (GRCh38, 1-based): chr5:254,475, C>T. VCF-style: chr5-254475-C-T. GRCh37 (hg19) VCF-style: chr5-254590-C-T.
Other names: c.1733C>T, p.Thr578Ile (NM_001294332.2); c.1634C>T, p.Thr545Ile (NM_001330758.2); short protein forms T626I, T545I, T578I.
Identifiers: ClinVar variation 1781800 (VCV001781800.3), dbSNP rs2477476907, ClinGen allele CA359002092.